The following is an entry in ClinVar:

ClinVar aggregate classification (germline): Uncertain significance (1 of 4 stars; one submission).

Conditions:
Inborn genetic diseases. Identifiers: MedGen C0950123, MeSH D030342.

Submission:

Ambry Genetics
Classification: Uncertain significance for Inborn genetic diseases. Last evaluated: 2026-03-14. Review status: criteria provided, single submitter. Criteria: Ambry Variant Classification Scheme 2023. Collection method: clinical testing. Allele origin: germline.
Comment: The p.N1548S variant (also known as c.4643A>G), located in coding exon 31 of the ANKRD26 gene, results from an A to G substitution at nucleotide position 4643. The asparagine at codon 1548 is replaced by serine, an amino acid with highly similar properties. This amino acid position is conserved. In addition, this alteration is predicted to be tolerated by in silico analysis. Based on the available evidence, the clinical significance of this variant remains unclear.

NM_014915.3(ANKRD26):c.4643A>G (p.Asn1548Ser)

Gene: ANKRD26 (ankyrin repeat domain 26; minus strand). Cytogenetic location: 10p12.1.
Variant type: single nucleotide variant.
Coding change: c.4643A>G on transcript NM_014915.3 (MANE Select); coding-DNA position 4643, A replaced by G.
Protein change: p.Asn1548Ser; replaces asparagine 1548 with serine.
Molecular consequence: missense variant.
Genome position (GRCh38, 1-based): chr10:27,014,575, T>C on the plus strand (A>G on the coding strand, the complement: ANKRD26 is on the minus strand). VCF-style: chr10-27014575-T-C. GRCh37 (hg19) VCF-style: chr10-27303504-T-C.
Other names: c.4640A>G, p.Asn1547Ser (NM_001256053.2); short protein forms N1547S, N1548S.
Identifiers: ClinVar variation 4826437 (VCV004826437.1).